The following is an entry in ClinVar:

NM_014874.4(MFN2):c.1690C>T (p.Arg564Trp)

Genes: MFN2 (mitofusin 2; plus strand), LOC129929426 (ATAC-STARR-seq lymphoblastoid active region 185; plus strand). Cytogenetic location: 1p36.22.
Variant type: single nucleotide variant.
Coding change: c.1690C>T on transcript NM_014874.4 (MANE Select); coding-DNA position 1690, C replaced by T.
Protein change: p.Arg564Trp; replaces arginine 564 with tryptophan.
Molecular consequence: missense variant.
Genome position (GRCh38, 1-based): chr1:12,005,905, C>T. VCF-style: chr1-12005905-C-T. GRCh37 (hg19) VCF-style: chr1-12065962-C-T.
Other names: c.1690C>T, p.Arg564Trp (NM_001127660.2); short protein forms R564W.
Identifiers: ClinVar variation 2904519 (VCV002904519.4), dbSNP rs545454816, ClinGen allele CA599172.

ClinVar aggregate classification (germline): Uncertain significance. Review status: criteria provided, multiple submitters, no conflicts (2 of 4 stars). 2 submissions from 2 submitters: Uncertain significance (2). Last evaluated 2026-04-22.

Conditions:
Charcot-Marie-Tooth disease type 2. Also called: Charcot-Marie-Tooth type 2. Identifiers: Orphanet 64746, MedGen C0270914, MONDO:0018993.

Allele frequency attached by ClinVar (database versions not stated): ExAC 0.00001; gnomAD exomes 0.00001; 1000 Genomes Project 30x 0.00016; gnomAD 0.00001; 1000 Genomes Project 0.00020.
gnomAD v4.1: 12 of 1,613,902 alleles (0.00074%); highest among the groups gnomAD compares: South Asian, 0.0011%; no homozygotes.

Submissions (2):

GeneDx
Classification: Uncertain significance. Last evaluated: 2026-04-22. Review status: criteria provided, single submitter. Criteria: GeneDx Variant Classification Process June 2021. Collection method: clinical testing. Allele origin: germline.
Comment: In silico analysis supports that this missense variant has a deleterious effect on protein structure/function; Has not been previously published as pathogenic or benign to our knowledge

Labcorp Genetics (formerly Invitae), Labcorp
Classification: Uncertain significance for Charcot-Marie-Tooth disease type 2. Last evaluated: 2022-12-15. Review status: criteria provided, single submitter. Criteria: Invitae Variant Classification Sherloc (09022015). Collection method: clinical testing. Allele origin: germline.
Comment: In summary, the available evidence is currently insufficient to determine the role of this variant in disease. Therefore, it has been classified as a Variant of Uncertain Significance. Advanced modeling of protein sequence and biophysical properties (such as structural, functional, and spatial information, amino acid conservation, physicochemical variation, residue mobility, and thermodynamic stability) performed at Invitae indicates that this missense variant is expected to disrupt MFN2 protein function. This sequence change replaces arginine, which is basic and polar, with tryptophan, which is neutral and slightly polar, at codon 564 of the MFN2 protein (p.Arg564Trp). This variant is present in population databases (rs545454816, gnomAD 0.01%). This variant has not been reported in the literature in individuals affected with MFN2-related conditions.